The following is an entry in ClinVar:

NM_014712.3(SETD1A):c.3422dup (p.Ala1142fs)

Gene: SETD1A (SET domain containing 1A, histone lysine methyltransferase; plus strand). Cytogenetic location: 16p11.2.
Variant type: Duplication.
Coding change: c.3422dup on transcript NM_014712.3 (MANE Select); coding-DNA position 3422, one base duplicated (C; older notation c.3422dupC).
Protein change: p.Ala1142fs; shifts the reading frame from alanine 1142.
Molecular consequence: frameshift variant.
Genome position (GRCh38, 1-based): chr16:30,979,208, C duplicated; the last of 5 consecutive C bases (chr16:30,979,204-30,979,208); duplicating any one gives the same sequence. VCF-style (leftmost placement, unchanged base first): chr16-30979203-G-GC. GRCh37 (hg19) VCF-style: chr16-30990524-G-GC.
Other names: short protein forms A1142fs.
Identifiers: ClinVar variation 4163127 (VCV004163127.1).

ClinVar aggregate classification (germline): Pathogenic (1 of 4 stars; one submission).

Conditions:
Inborn genetic diseases. Identifiers: MedGen C0950123, MeSH D030342.

Submission:

Ambry Genetics
Classification: Pathogenic for Inborn genetic diseases. Last evaluated: 2025-09-12. Review status: criteria provided, single submitter. Criteria: Ambry Variant Classification Scheme 2023. Collection method: clinical testing. Allele origin: germline.
Comment: The c.3422dupC (p.A1142Gfs*8) alteration, located in exon 14 (coding exon 13) of the SETD1A gene, consists of a duplication of C at position 3422, causing a translational frameshift with a predicted alternate stop codon after 8 amino acids. This alteration is expected to result in loss of function by premature protein truncation or nonsense-mediated mRNA decay. The Genome Aggregation Database (gnomAD) data for this variant is unreliable due to technical and/or biological issues; therefore, population frequency estimates were not considered. Based on the available evidence, this alteration is classified as pathogenic.